The following is an entry in ClinVar:

NM_002582.4(PARN):c.991_1005+18del

Gene: PARN (poly(A)-specific ribonuclease; minus strand). Cytogenetic location: 16p13.12.
Variant type: Deletion.
Coding change: c.991_1005+18del on transcript NM_002582.4 (MANE Select); coding-DNA position 991 through 18 bases into the intron after coding-DNA position 1005, 33 bases deleted.
Molecular consequence: splice donor variant.
Genome position (GRCh38, 1-based): chr16:14,584,731-14,584,763, 33 bases deleted; deleting any 33 consecutive bases within chr16:14,584,731-14,584,764 gives the same sequence; the c. name uses the placement nearest the transcript's 3' end. GRCh37 (hg19): chr16:14,678,589-14,678,621.
Other names: c.808_822+18del (NM_001134477.3); c.853_867+18del (NM_001242992.2).
Identifiers: ClinVar variation 3239508 (VCV003239508.19), dbSNP rs2507866849.

ClinVar aggregate classification (germline): Likely pathogenic (1 of 4 stars; one submission).

Submission:

CeGaT Center for Human Genetics Tuebingen
Classification: Likely pathogenic. Last evaluated: 2024-05-01. Review status: criteria provided, single submitter. Criteria: CeGaT Center For Human Genetics Tuebingen Variant Classification Criteria Version 2. Collection method: clinical testing. Allele origin: germline. Affected: yes. Observed: 1 variant allele.
Comment: PARN: PVS1:Strong, PM2